The following is an entry in ClinVar:

ClinVar aggregate classification (germline): Uncertain significance (1 of 4 stars; one submission).

Conditions:
Inborn genetic diseases. Identifiers: MedGen C0950123, MeSH D030342.

Submission:

Ambry Genetics
Classification: Uncertain significance for Inborn genetic diseases. Last evaluated: 2025-06-17. Review status: criteria provided, single submitter. Criteria: Ambry Variant Classification Scheme 2023. Collection method: clinical testing. Allele origin: germline.
Comment: The p.G866A variant (also known as c.2597G>C), located in coding exon 15 of the RECQL4 gene, results from a G to C substitution at nucleotide position 2597. The glycine at codon 866 is replaced by alanine, an amino acid with similar properties. This amino acid position is conserved. In addition, this alteration is predicted to be tolerated by in silico analysis. Based on the available evidence, the clinical significance of this variant remains unclear.

NM_004260.4(RECQL4):c.2597G>C (p.Gly866Ala)

Gene: RECQL4 (RecQ like helicase 4; minus strand). Cytogenetic location: 8q24.3.
Variant type: single nucleotide variant.
Coding change: c.2597G>C on transcript NM_004260.4 (MANE Select); coding-DNA position 2597, G replaced by C.
Protein change: p.Gly866Ala; replaces glycine 866 with alanine.
Molecular consequence: missense variant. On other transcripts: non-coding transcript variant (3).
Genome position (GRCh38, 1-based): chr8:144,513,005, C>G on the plus strand (G>C on the coding strand, the complement: RECQL4 is on the minus strand). VCF-style: chr8-144513005-C-G. GRCh37 (hg19) VCF-style: chr8-145738388-C-G.
Other names: c.1460G>C, p.Gly487Ala (NM_001413027.1, NM_001413030.1, NM_001413032.1 and 1 more transcripts); c.1526G>C, p.Gly509Ala (NM_001413028.1, NM_001413034.1, NM_001413035.1 and 5 more transcripts); c.2246G>C, p.Gly749Ala (NM_001413029.1); c.1328G>C, p.Gly443Ala (NM_001413031.1, NM_001413038.1); c.2465G>C, p.Gly822Ala (NM_001413033.1); c.2597G>C, p.Gly866Ala (NM_001413036.1, NM_001413019.1); c.2303G>C, p.Gly768Ala (NM_001413017.1); c.2399G>C, p.Gly800Ala (NM_001413018.1); and 6 more; short protein forms G377A, G465A, G499A, G509A, G800A, G822A, G823A, G834A.
Identifiers: ClinVar variation 4152337 (VCV004152337.1).